The following is an entry in ClinVar:

ClinVar aggregate classification (germline): Uncertain significance (1 of 4 stars; one submission).

Conditions:
PCSK1-related disorder. Also called: PCSK1-related condition.

Submission:

PreventionGenetics, part of Exact Sciences
Classification: Uncertain significance for PCSK1-related condition. Last evaluated: 2026-01-13. Review status: criteria provided, single submitter. Criteria: ACMG Guidelines, 2015. Collection method: clinical testing. Allele origin: germline.
Comment: The PCSK1 c.1177G>T variant is predicted to result in the amino acid substitution p.Ala393Ser. To our knowledge, this variant has not been reported in the literature or in a large population database (gnomAD), indicating this variant is rare. At this time, the clinical significance of this variant is uncertain due to the absence of conclusive functional and genetic evidence.

NM_000439.5(PCSK1):c.1177G>T (p.Ala393Ser)

Genes: CAST (calpastatin; plus strand), PCSK1 (proprotein convertase subtilisin/kexin type 1; minus strand), LOC101929710 (uncharacterized LOC101929710; plus strand). Cytogenetic location: 5q15.
Variant type: single nucleotide variant.
Coding change: c.1177G>T on transcript NM_000439.5 (MANE Select); coding-DNA position 1177, G replaced by T.
Protein change: p.Ala393Ser; replaces alanine 393 with serine.
Molecular consequence: missense variant. On other transcripts: intron variant (11).
Genome position (GRCh38, 1-based): chr5:96,408,242, C>A on the plus strand (G>T on the coding strand, the complement: PCSK1 is on the minus strand). VCF-style: chr5-96408242-C-A. GRCh37 (hg19) VCF-style: chr5-95743946-C-A.
Other names: c.-103+28590C>A (NM_001423253.1); c.-175+28590C>A (NM_001423255.1, NM_001423250.1, NM_001423251.1 and 6 more transcripts); c.-40+28590C>A (NM_001423258.1); c.1036G>T, p.Ala346Ser (NM_001177875.2); short protein forms A393S, A346S.
Identifiers: ClinVar variation 4988480 (VCV004988480.1).